The following is an entry in ClinVar:

ClinVar aggregate classification (germline): Uncertain significance. Review status: criteria provided, multiple submitters, no conflicts (2 of 4 stars). 2 submissions from 2 submitters: Uncertain significance (2). Last evaluated 2025-06-10.

Conditions:
Inborn genetic diseases. Identifiers: MedGen C0950123, MeSH D030342.

Allele frequency attached by ClinVar (database versions not stated): gnomAD 0.00001; gnomAD exomes 0.00002; TOPMed 0.00002.
gnomAD v4.1: 31 of 1,607,474 alleles (0.0019%); highest among the groups gnomAD compares: Non-Finnish European, 0.0025%; no homozygotes.

Submissions (2):

Ambry Genetics
Classification: Uncertain significance for Inborn genetic diseases. Last evaluated: 2025-06-10. Review status: criteria provided, single submitter. Criteria: Ambry Variant Classification Scheme 2023. Collection method: clinical testing. Allele origin: germline.

Labcorp Genetics (formerly Invitae), Labcorp
Classification: Uncertain significance. Last evaluated: 2024-11-25. Review status: criteria provided, single submitter. Criteria: Invitae Variant Classification Sherloc (09022015). Collection method: clinical testing. Allele origin: germline.
Comment: This sequence change replaces alanine, which is neutral and non-polar, with valine, which is neutral and non-polar, at codon 1191 of the FLNB protein (p.Ala1191Val). This variant is present in population databases (rs773392236, gnomAD 0.006%). This variant has not been reported in the literature in individuals affected with FLNB-related conditions. ClinVar contains an entry for this variant (Variation ID: 1461184). Invitae Evidence Modeling of protein sequence and biophysical properties (such as structural, functional, and spatial information, amino acid conservation, physicochemical variation, residue mobility, and thermodynamic stability) indicates that this missense variant is not expected to disrupt FLNB protein function with a negative predictive value of 95%. In summary, the available evidence is currently insufficient to determine the role of this variant in disease. Therefore, it has been classified as a Variant of Uncertain Significance.

NM_001457.4(FLNB):c.3572C>T (p.Ala1191Val)

Gene: FLNB (filamin B; plus strand). Cytogenetic location: 3p14.3.
Variant type: single nucleotide variant.
Coding change: c.3572C>T on transcript NM_001457.4 (MANE Select); coding-DNA position 3572, C replaced by T.
Protein change: p.Ala1191Val; replaces alanine 1191 with valine.
Molecular consequence: missense variant.
Genome position (GRCh38, 1-based): chr3:58,123,538, C>T. VCF-style: chr3-58123538-C-T. GRCh37 (hg19) VCF-style: chr3-58109265-C-T.
Other names: c.3572C>T, p.Ala1191Val (NM_001164317.2, NM_001164318.2, NM_001164319.2); c.3572C>T (NM_001457.3); short protein forms A1191V.
Identifiers: ClinVar variation 1461184 (VCV001461184.7), dbSNP rs773392236, ClinGen allele CA2468445.
Genomic context (GRCh38, chr3:58,123,538, plus strand): 5'-TCTCGGACTCGGGAACAAAAGCCGAAGTCAGTATTCAGAACAACAAAGATGGCACCTACG[C>T]GGTGACCTACGTGCCCCTGACGGCCGGCATGTACACGTTGACCATGAAGTATGGTGGCGA-3'
Protein context (NP_001448.2, residues 1181-1201): SIQNNKDGTY[Ala1191Val]VTYVPLTAGM